The following is an entry in ClinVar:

NM_005744.5(ARIH1):c.237CGG[4] (p.Gly88_Gly90del)

Gene: ARIH1 (ariadne RBR E3 ubiquitin protein ligase 1; plus strand). Cytogenetic location: 15q24.1.
Variant type: Microsatellite.
Coding change: c.237CGG[4] on transcript NM_005744.5 (MANE Select); four copies in a row of the 3-base unit CGG starting at c.237; the reference has seven copies in a row; three copies, 9 bases deleted.
Protein change: p.Gly88_Gly90del.
Molecular consequence: inframe deletion.
Genome position (GRCh38, 1-based): chr15:72,474,888-72,474,896, CGGCGGCGG deleted; deleting any 9 consecutive bases within chr15:72,474,874-72,474,896 gives the same sequence; the position shown is the placement nearest the transcript's 3' end. VCF-style (leftmost placement, unchanged base first): chr15-72474873-TGGCGGCGGC-T. GRCh37 (hg19) VCF-style: chr15-72767214-TGGCGGCGGC-T.
Other names: c.249_257del9 (NM_005744.3).
Identifiers: ClinVar variation 1424076 (VCV001424076.10), dbSNP rs375614248, ClinGen allele CA7645451.

ClinVar aggregate classification (germline): Uncertain significance. Review status: criteria provided, single submitter (1 of 4 stars). 2 submissions from 2 submitters: Uncertain significance (1). 1 of the submissions does not count toward it. Last evaluated 2025-12-23.

Conditions:
ARIH1-related disorder. Also called: ARIH1-related condition.

Submissions (2):

Labcorp Genetics (formerly Invitae), Labcorp
Classification: Uncertain significance. Last evaluated: 2025-12-23. Review status: criteria provided, single submitter. Criteria: Invitae Variant Classification Sherloc (09022015). Collection method: clinical testing. Allele origin: germline.
Comment: This variant, c.249_257del, results in the deletion of 3 amino acid(s) of the ARIH1 protein (p.Gly88_Gly90del), but otherwise preserves the integrity of the reading frame. The frequency data for this variant in the population databases is considered unreliable, as metrics indicate poor data quality at this position in the gnomAD database. This variant has not been reported in the literature in individuals affected with ARIH1-related conditions. Experimental studies and prediction algorithms are not available or were not evaluated, and the functional significance of this variant is currently unknown. In summary, the available evidence is currently insufficient to determine the role of this variant in disease. Therefore, it has been classified as a Variant of Uncertain Significance.

PreventionGenetics, part of Exact Sciences
Classification: Likely benign for ARIH1-related condition. Last evaluated: 2023-07-11. Review status: no assertion criteria provided. Collection method: clinical testing. Allele origin: germline. Not counted in ClinVar's aggregate classification.
Comment: This variant is classified as likely benign based on ACMG/AMP sequence variant interpretation guidelines (Richards et al. 2015 PMID: 25741868, with internal and published modifications).